The following is an entry in ClinVar:

NM_018026.4(PACS1):c.752A>C (p.Tyr251Ser)

Gene: PACS1 (phosphofurin acidic cluster sorting protein 1; plus strand). Cytogenetic location: 11q13.2.
Variant type: single nucleotide variant.
Coding change: c.752A>C on transcript NM_018026.4 (MANE Select); coding-DNA position 752, A replaced by C.
Protein change: p.Tyr251Ser; replaces tyrosine 251 with serine.
Molecular consequence: missense variant.
Genome position (GRCh38, 1-based): chr11:66,216,210, A>C. VCF-style: chr11-66216210-A-C. GRCh37 (hg19) VCF-style: chr11-65983681-A-C.
Other names: short protein forms Y251S.
Identifiers: ClinVar variation 2780419 (VCV002780419.3), dbSNP rs146900599, ClinGen allele CA6116331.

ClinVar aggregate classification (germline): Uncertain significance (1 of 4 stars; one submission).

Conditions:
Schuurs-Hoeijmakers syndrome. Also called: PACS1-Related Neurodevelopmental Disorder. Identifiers: Orphanet 329224, MedGen C3554343, MONDO:0014006, OMIM 615009.

Allele frequency attached by ClinVar (database versions not stated): ESP Exome Variant Server 0.00015.
gnomAD v4.1: 9 of 1,613,504 alleles (0.00056%); highest among the groups gnomAD compares: African/African-American, 0.0027%; no homozygotes.

Submission:

Labcorp Genetics (formerly Invitae), Labcorp
Classification: Uncertain significance for Schuurs-Hoeijmakers syndrome. Last evaluated: 2024-12-16. Review status: criteria provided, single submitter. Criteria: Invitae Variant Classification Sherloc (09022015). Collection method: clinical testing. Allele origin: germline.
Comment: This sequence change replaces tyrosine, which is neutral and polar, with serine, which is neutral and polar, at codon 251 of the PACS1 protein (p.Tyr251Ser). This variant is present in population databases (rs146900599, gnomAD 0.0009%). This variant has not been reported in the literature in individuals affected with PACS1-related conditions. ClinVar contains an entry for this variant (Variation ID: 2780419). Invitae Evidence Modeling of protein sequence and biophysical properties (such as structural, functional, and spatial information, amino acid conservation, physicochemical variation, residue mobility, and thermodynamic stability) indicates that this missense variant is not expected to disrupt PACS1 protein function with a negative predictive value of 80%. In summary, the available evidence is currently insufficient to determine the role of this variant in disease. Therefore, it has been classified as a Variant of Uncertain Significance.